The following is an entry in ClinVar:

NM_001276270.2(MBD4):c.1544-1G>A

Gene: MBD4 (methyl-CpG binding domain 4, DNA glycosylase; minus strand). Cytogenetic location: 3q21.3.
Variant type: single nucleotide variant.
Coding change: c.1544-1G>A on transcript NM_001276270.2 (MANE Select); the canonical splice acceptor site of the intron before coding-DNA position 1544, G replaced by A.
Molecular consequence: splice acceptor variant.
Genome position (GRCh38, 1-based): chr3:129,432,607, C>T on the plus strand (G>A on the coding strand, the complement: MBD4 is on the minus strand). VCF-style: chr3-129432607-C-T. GRCh37 (hg19) VCF-style: chr3-129151450-C-T.
Other names: c.608-1G>A (NM_001276273.2); c.1562-1G>A (NM_001276272.2, NM_003925.3, NM_001276271.2).
Identifiers: ClinVar variation 3870847 (VCV003870847.2).

ClinVar aggregate classification (germline): Likely pathogenic. Review status: criteria provided, multiple submitters, no conflicts (2 of 4 stars). 2 submissions from 2 submitters: Likely pathogenic (2). Last evaluated 2025-06-09.

Conditions:
Inborn genetic diseases. Identifiers: MedGen C0950123, MeSH D030342.

Submissions (2):

Labcorp Genetics (formerly Invitae), Labcorp
Classification: Likely pathogenic. Last evaluated: 2025-06-09. Review status: criteria provided, single submitter. Criteria: Invitae Variant Classification Sherloc (09022015). Collection method: clinical testing. Allele origin: germline.
Comment: This sequence change affects an acceptor splice site in intron 6 of the MBD4 gene. RNA analysis indicates that disruption of this splice site induces altered splicing and may result in an absent or altered protein product. This variant is not present in population databases (gnomAD no frequency). Disruption of this splice site has been observed in individual(s) with MBD4-related cancer (PMID: 29760383, 30049810, 32239153, 35460607). ClinVar contains an entry for this variant (Variation ID: 3870847). Studies have shown that disruption of this splice site results in skipping of exon 7, and produces a non-functional protein and/or introduces a premature termination codon (PMID: 29760383). In summary, the currently available evidence indicates that the variant is pathogenic, but additional data are needed to prove that conclusively. Therefore, this variant has been classified as Likely Pathogenic.

Ambry Genetics
Classification: Likely pathogenic for Inborn genetic diseases. Last evaluated: 2024-12-11. Review status: criteria provided, single submitter. Criteria: Ambry Variant Classification Scheme 2023. Collection method: clinical testing. Allele origin: germline.
Comment: The c.1544-1G>A intronic variant results from a G to A substitution one nucleotide upstream from coding exon 7 of the MBD4 gene. This alteration occurs at the 3' terminus of the MBD4 gene, is not expected to trigger nonsense-mediated mRNA decay, and only impacts the last 10.6% of the protein. The exact functional effect of this alteration is unknown; however, a significant portion of the protein is affected (Ambry internal data). Another variant impacting the same acceptor site (c.1544-1G>T, also described as c.1562-1G>T) have been identified in individuals with features consistent with MBD4-associated neoplasia syndrome (Sanders MA et al. Blood, 2018 Oct;132:1526-1534; Palles C et al. Am J Hum Genet, 2022 May;109:953-960). This variant is considered to be rare based on population cohorts in the Genome Aggregation Database (gnomAD). This nucleotide position is highly conserved in available vertebrate species. In silico splice site analysis predicts that this alteration will weaken the native splice acceptor site; however, direct evidence is insufficient at this time (Ambry internal data). Based on the majority of available evidence to date, this variant is likely to be pathogenic.

Literature cited by the submitters: PubMed 29760383 (cited by Labcorp Genetics (formerly Invitae), Labcorp); PubMed 30049810 (cited by Labcorp Genetics (formerly Invitae), Labcorp and Ambry Genetics); PubMed 32239153 (cited by Labcorp Genetics (formerly Invitae), Labcorp); PubMed 35460607 (cited by Labcorp Genetics (formerly Invitae), Labcorp and Ambry Genetics).